The following is an entry in ClinVar:

ClinVar aggregate classification (germline): Uncertain significance (1 of 4 stars; one submission).

Allele frequency attached by ClinVar (database versions not stated): gnomAD exomes below 0.00001.
gnomAD v4.1: 1 of 1,613,368 alleles (0.000062%); highest among the groups gnomAD compares: Non-Finnish European, 0.000085%; no homozygotes.

Submission:

Women's Health and Genetics/Laboratory Corporation of America, LabCorp
Classification: Uncertain significance. Last evaluated: 2022-02-14. Review status: criteria provided, single submitter. Criteria: LabCorp Variant Classification Summary - May 2015. Collection method: clinical testing. Allele origin: germline.
Comment: Variant summary: PKHD1 c.5953G>A (p.Ala1985Thr) results in a non-conservative amino acid change located in the G8 domain (IPR019316) of the encoded protein sequence. Three of five in-silico tools predict a damaging effect of the variant on protein function. The variant was absent in 251366 control chromosomes (gnomAD). The available data on variant occurrences in the general population are insufficient to allow any conclusion about variant significance. To our knowledge, no occurrence of c.5953G>A in individuals affected with Polycystic Kidney And Hepatic Disease and no experimental evidence demonstrating its impact on protein function have been reported. No clinical diagnostic laboratories have submitted clinical-significance assessments for this variant to ClinVar after 2014. Based on the evidence outlined above, the variant was classified as uncertain significance.

NM_138694.4(PKHD1):c.5953G>A (p.Ala1985Thr)

Gene: PKHD1 (PKHD1 ciliary IPT domain containing fibrocystin/polyductin; minus strand). Cytogenetic location: 6p12.2.
Variant type: single nucleotide variant.
Coding change: c.5953G>A on transcript NM_138694.4 (MANE Select); coding-DNA position 5953, G replaced by A.
Protein change: p.Ala1985Thr; replaces alanine 1985 with threonine.
Molecular consequence: missense variant.
Genome position (GRCh38, 1-based): chr6:51,934,278, C>T on the plus strand (G>A on the coding strand, the complement: PKHD1 is on the minus strand). VCF-style: chr6-51934278-C-T. GRCh37 (hg19) VCF-style: chr6-51799076-C-T.
Other names: c.5953G>A, p.Ala1985Thr (NM_170724.3); short protein forms A1985T.
Identifiers: ClinVar variation 1343743 (VCV001343743.1), dbSNP rs2127769211, ClinGen allele CA364417917.